The following is an entry in ClinVar:

NM_001042492.3(NF1):c.4075C>T (p.Pro1359Ser)

Gene: NF1 (neurofibromin 1; plus strand). Cytogenetic location: 17q11.2.
Variant type: single nucleotide variant.
Coding change: c.4075C>T on transcript NM_001042492.3 (MANE Select); coding-DNA position 4075, C replaced by T.
Protein change: p.Pro1359Ser; replaces proline 1359 with serine.
Molecular consequence: missense variant.
Genome position (GRCh38, 1-based): chr17:31,249,084, C>T. VCF-style: chr17-31249084-C-T. GRCh37 (hg19) VCF-style: chr17-29576102-C-T.
Other names: c.4075C>T, p.Pro1359Ser (NM_000267.4); short protein forms P1359S.
Identifiers: ClinVar variation 2452292 (VCV002452292.2), dbSNP rs745931495, ClinGen allele CA398995032.

ClinVar aggregate classification (germline): Uncertain significance (1 of 4 stars; one submission).

Conditions:
Hereditary cancer-predisposing syndrome. Also called: Neoplastic Syndromes, Hereditary; Tumor predisposition; Hereditary neoplastic syndrome; Hereditary Cancer Syndrome. Identifiers: Orphanet 140162, MedGen C0027672, MeSH D009386, MONDO:0015356.
Cardiovascular phenotype. Identifiers: MedGen CN230736.

Submission:

Ambry Genetics
Classification: Uncertain significance for Cardiovascular phenotype; Hereditary cancer-predisposing syndrome. Last evaluated: 2023-01-26. Review status: criteria provided, single submitter. Criteria: Ambry Variant Classification Scheme 2023. Collection method: clinical testing. Allele origin: germline.
Comment: The p.P1359S variant (also known as c.4075C>T), located in coding exon 30 of the NF1 gene, results from a C to T substitution at nucleotide position 4075. The proline at codon 1359 is replaced by serine, an amino acid with similar properties. This amino acid position is conserved. In addition, this alteration is predicted to be tolerated by in silico analysis. Since supporting evidence is limited at this time, the clinical significance of this alteration remains unclear.